The following is an entry in ClinVar:

NM_001042750.2(STAG2):c.445A>G (p.Thr149Ala)

Gene: STAG2 (STAG2 cohesin complex component; plus strand). Cytogenetic location: Xq25.
Variant type: single nucleotide variant.
Coding change: c.445A>G on transcript NM_001042750.2 (MANE Select); coding-DNA position 445, A replaced by G.
Protein change: p.Thr149Ala; replaces threonine 149 with alanine.
Molecular consequence: missense variant.
Genome position (GRCh38, 1-based): chrX:124,042,628, A>G. VCF-style: chrX-124042628-A-G. GRCh37 (hg19) VCF-style: chrX-123176478-A-G.
Other names: c.445A>G, p.Thr149Ala (NM_001375371.1, NM_001375372.1, NM_001375373.1 and 13 more transcripts); short protein forms T149A.
Identifiers: ClinVar variation 3377345 (VCV003377345.2).

ClinVar aggregate classification (germline): Likely pathogenic (1 of 4 stars; one submission).

Conditions:
Mullegama-Klein-Martinez syndrome. Also called: NEURODEVELOPMENTAL DISORDER, X-LINKED, WITH CRANIOFACIAL ABNORMALITIES. Identifiers: MedGen C5193008, MONDO:0026722, OMIM 301022.

Submission:

Victorian Clinical Genetics Services, Murdoch Childrens Research Institute
Classification: Likely pathogenic for Mullegama-Klein-Martinez syndrome. Last evaluated: 2025-11-11. Review status: criteria provided, single submitter. Criteria: ACMG Guidelines, 2015. Collection method: clinical testing. Allele origin: germline. Affected: yes.
Comment: This variant is classified as Likely pathogenic. Evidence in support of pathogenic classification: Variant is absent from gnomAD (v2, v3 and v4); Missense variant in a region that is highly intolerant to missense variation (high constraint region in gnomAD). Additional information: Variant is predicted to result in a missense amino acid change from threonine to alanine; This variant is hemizygous; This gene is associated with both recessive and dominant X-linked disease. Affected hemizygous males have only been reported with milder missense variants (OMIM). Affected heterozygous females are usually reported with variants resulting in a premature termination codon, but have also been reported with missense and splice variants (PMIDs: 30158690, 31334757); This variant has no previous evidence of pathogenicity; Segregation evidence for this variant is inconclusive. This variant has been shown to segregate with disease in two affected family members and one carrier; however, this is not sufficient evidence for pathogenicity (VCGS internal data); No published functional evidence has been identified for this variant; No comparable missense variants have previous evidence for pathogenicity; Missense variant with inconclusive in silico prediction and uninformative conservation; Loss of function is a known mechanism of disease in this gene and is associated with holoprosencephaly 13 (MIM#301043) and Mullegama-Klein-Martinez syndrome (MIM#301022).

Literature cited by the submitters: PubMed 30158690; PubMed 31334757.